The following is an entry in ClinVar:

NM_000052.7(ATP7A):c.3434C>A (p.Ala1145Glu)

Gene: ATP7A (ATPase copper transporting alpha; plus strand). Cytogenetic location: Xq21.1.
Variant type: single nucleotide variant.
Coding change: c.3434C>A on transcript NM_000052.7 (MANE Select); coding-DNA position 3434, C replaced by A.
Protein change: p.Ala1145Glu; replaces alanine 1145 with glutamic acid.
Molecular consequence: missense variant. On other transcripts: non-coding transcript variant (1).
Genome position (GRCh38, 1-based): chrX:78,033,744, C>A. VCF-style: chrX-78033744-C-A. GRCh37 (hg19) VCF-style: chrX-77289242-C-A.
Other names: c.3200C>A, p.Ala1067Glu (NM_001282224.2); short protein forms A1145E, A1067E.
Identifiers: ClinVar variation 2949197 (VCV002949197.3), dbSNP rs374154862, ClinGen allele CA413604158.
Genomic context (GRCh38, chrX:78,033,744, plus strand): 5'-ATATTGAAGGCTTGCTACATAAGAATAACTGGAATATAGAGGACAATAATATTAAAAATG[C>A]ATCCCTGGTTCAAATTGATGCCAGTAATGAACAGTCATCAACTTCGTCTTCCATGATTAT-3'
Protein context (NP_000043.4, residues 1135-1155): WNIEDNNIKN[Ala1145Glu]SLVQIDASNE

ClinVar aggregate classification (germline): Uncertain significance (1 of 4 stars; one submission).

Conditions:
Menkes kinky-hair syndrome (MNK). Also called: Classic Menkes Disease; Copper transport disease; Menkes Disease. Identifiers: Orphanet 565, MedGen C0022716, MONDO:0010651, OMIM 309400.
Cutis laxa, X-linked (OHS). Also called: EDS IX; Occipital horn syndrome. Identifiers: Orphanet 198, MedGen C0268353, MONDO:0010572, OMIM 304150.
X-linked distal spinal muscular atrophy type 3. Also called: ATP7A-Related Distal Motor Neuropathy; SPINAL MUSCULAR ATROPHY, DISTAL, X-LINKED RECESSIVE; NEURONOPATHY, DISTAL HEREDITARY MOTOR, X-LINKED; NEUROPATHY, DISTAL HEREDITARY MOTOR, X-LINKED. Identifiers: Orphanet 139557, MedGen C1845359, MONDO:0010338, OMIM 300489.

gnomAD v4.1: 1 of 1,210,596 alleles (0.000083%); highest among the groups gnomAD compares: South Asian, 0.0018%; no homozygotes.

Submission:

Labcorp Genetics (formerly Invitae), Labcorp
Classification: Uncertain significance for X-linked distal spinal muscular atrophy type 3; Cutis laxa, X-linked; Menkes kinky-hair syndrome. Last evaluated: 2023-06-27. Review status: criteria provided, single submitter. Criteria: Invitae Variant Classification Sherloc (09022015). Collection method: clinical testing. Allele origin: germline.
Comment: In summary, the available evidence is currently insufficient to determine the role of this variant in disease. Therefore, it has been classified as a Variant of Uncertain Significance. Advanced modeling of protein sequence and biophysical properties (such as structural, functional, and spatial information, amino acid conservation, physicochemical variation, residue mobility, and thermodynamic stability) performed at Invitae indicates that this missense variant is not expected to disrupt ATP7A protein function. This variant has not been reported in the literature in individuals affected with ATP7A-related conditions. This variant is not present in population databases (gnomAD no frequency). This sequence change replaces alanine, which is neutral and non-polar, with glutamic acid, which is acidic and polar, at codon 1145 of the ATP7A protein (p.Ala1145Glu).